The following is an entry in ClinVar:

ClinVar aggregate classification (germline): Likely pathogenic. Review status: criteria provided, multiple submitters, no conflicts (2 of 4 stars). 2 submissions from 2 submitters: Likely pathogenic (2). Last evaluated 2022-09-22.

Conditions:
Deficiency of butyrylcholinesterase (BCHED). Also called: Deficiency of butyrylcholine esterase; Butyrylcholinesterase deficiency; BCHE, silent 1; Acholinesterasemia. Identifiers: Orphanet 132, MedGen C1283400, MONDO:0015270, OMIM 617936.

Submissions (2):

Women's Health and Genetics/Laboratory Corporation of America, LabCorp
Classification: Likely pathogenic for Deficiency of butyrylcholinesterase. Last evaluated: 2022-09-22. Review status: criteria provided, single submitter. Criteria: LabCorp Variant Classification Summary - May 2015. Collection method: clinical testing. Allele origin: germline.
Comment: Variant summary: BCHE c.1158delT (p.Pro387GlnfsX3) results in a premature termination codon, predicted to cause a truncation of the encoded protein or absence of the protein due to nonsense mediated decay, which are commonly known mechanisms for disease. Truncations downstream of this position have been classified as pathogenic in ClinVar database. The variant was absent in 247654 control chromosomes (gnomAD). To our knowledge, no occurrence of c.1158delT in individuals affected with Deficiency Of Butyrylcholine Esterase and no experimental evidence demonstrating its impact on protein function have been reported. One ClinVar submitter (evaluation after 2014) cites the variant as likely pathogenic. Based on the evidence outlined above, the variant was classified as likely pathogenic.

Revvity Omics, Revvity
Classification: Likely pathogenic for Deficiency of butyrylcholinesterase. Last evaluated: 2019-10-01. Review status: criteria provided, single submitter. Criteria: ACMG Guidelines, 2015. Collection method: clinical testing. Allele origin: germline.

NM_000055.4(BCHE):c.1158del (p.Pro387fs)

Gene: BCHE (butyrylcholinesterase; minus strand). Cytogenetic location: 3q26.1.
Variant type: Deletion.
Coding change: c.1158del on transcript NM_000055.4 (MANE Select); coding-DNA position 1158, one base deleted (T; older notation c.1158delT).
Protein change: p.Pro387fs; shifts the reading frame from proline 387.
Molecular consequence: frameshift variant. On other transcripts: non-coding transcript variant (1).
Genome position (GRCh38, 1-based): chr3:165,829,876, A deleted on the plus strand (T on the coding strand, the reverse complement: BCHE is on the minus strand); the first of 6 consecutive A bases (chr3:165,829,876-165,829,881); deleting any one gives the same sequence. VCF-style (leftmost placement, unchanged base first): chr3-165829875-GA-G. GRCh37 (hg19) VCF-style: chr3-165547663-GA-G.
Other names: short protein forms P387fs.
Identifiers: ClinVar variation 1323972 (VCV001323972.5), dbSNP rs767469658, ClinGen allele CA547857064.